The following is an entry in ClinVar:

NM_001184.4(ATR):c.3257A>G (p.His1086Arg)

Gene: ATR (ATR checkpoint kinase; minus strand). Cytogenetic location: 3q23.
Variant type: single nucleotide variant.
Coding change: c.3257A>G on transcript NM_001184.4 (MANE Select); coding-DNA position 3257, A replaced by G.
Protein change: p.His1086Arg; replaces histidine 1086 with arginine.
Molecular consequence: missense variant.
Genome position (GRCh38, 1-based): chr3:142,547,825, T>C on the plus strand (A>G on the coding strand, the complement: ATR is on the minus strand). VCF-style: chr3-142547825-T-C. GRCh37 (hg19) VCF-style: chr3-142266667-T-C.
Other names: c.3065A>G, p.His1022Arg (NM_001354579.2); short protein forms H1086R, H1022R.
Identifiers: ClinVar variation 1729476 (VCV001729476.5), dbSNP rs759599231, ClinGen allele CA2650168.

ClinVar aggregate classification (germline): Uncertain significance. Review status: criteria provided, multiple submitters, no conflicts (2 of 4 stars). 2 submissions from 2 submitters: Uncertain significance (2). Last evaluated 2024-05-15.

Conditions:
Inborn genetic diseases. Identifiers: MedGen C0950123, MeSH D030342.

Allele frequency attached by ClinVar (database versions not stated): gnomAD exomes below 0.00001; TOPMed below 0.00001; ExAC 0.00001; gnomAD 0.00001.

Submissions (2):

Ambry Genetics
Classification: Uncertain significance for Inborn genetic diseases. Last evaluated: 2024-05-15. Review status: criteria provided, single submitter. Criteria: Ambry Variant Classification Scheme 2023. Collection method: clinical testing. Allele origin: germline.
Comment: The p.H1086R variant (also known as c.3257A>G), located in coding exon 16 of the ATR gene, results from an A to G substitution at nucleotide position 3257. The histidine at codon 1086 is replaced by arginine, an amino acid with highly similar properties. This amino acid position is conserved. In addition, this alteration is predicted to be tolerated by in silico analysis. Since supporting evidence is limited at this time, the clinical significance of this alteration remains unclear.

Labcorp Genetics (formerly Invitae), Labcorp
Classification: Uncertain significance. Last evaluated: 2022-04-04. Review status: criteria provided, single submitter. Criteria: Invitae Variant Classification Sherloc (09022015). Collection method: clinical testing. Allele origin: germline.
Comment: This sequence change replaces histidine, which is basic and polar, with arginine, which is basic and polar, at codon 1086 of the ATR protein (p.His1086Arg). This variant is present in population databases (rs759599231, gnomAD 0.0009%). This variant has not been reported in the literature in individuals affected with ATR-related conditions. Algorithms developed to predict the effect of missense changes on protein structure and function (SIFT, PolyPhen-2, Align-GVGD) all suggest that this variant is likely to be tolerated. In summary, the available evidence is currently insufficient to determine the role of this variant in disease. Therefore, it has been classified as a Variant of Uncertain Significance.